The following is an entry in ClinVar:

ClinVar aggregate classification (germline): Likely pathogenic (1 of 4 stars; one submission).

Conditions:
Bardet-Biedl syndrome (BBS). Identifiers: Orphanet 110, MedGen C0752166, MONDO:0015229.

Submission:

Labcorp Genetics (formerly Invitae), Labcorp
Classification: Likely pathogenic for Bardet-Biedl syndrome. Last evaluated: 2023-12-30. Review status: criteria provided, single submitter. Criteria: Invitae Variant Classification Sherloc (09022015). Collection method: clinical testing. Allele origin: unknown.
Comment: This variant results in a copy number gain of the genomic region encompassing exon(s) 8-15 of the BBS2 gene. While the exact position of this variant cannot be determined from the data, sub-genic copy number gains are generally in tandem (PMID: 25640679). This variant is predicted to be out-of-frame, and may result in an absent or disrupted protein product. Loss-of-function variants in BBS2 are known to be pathogenic (PMID: 11285252, 20177705, 24608809, 26518167). This variant has not been reported in the literature in individuals affected with BBS2-related conditions. In summary, the currently available evidence indicates that the variant is pathogenic, but additional data are needed to prove that conclusively. Therefore, this variant has been classified as Likely Pathogenic.

Literature cited by the submitters: PubMed 25640679; PubMed 11285252; PubMed 20177705; PubMed 24608809; PubMed 26518167.

NC_000016.9:g.(?_56530859)_(56536740_?)dup

Gene: BBS2 (Bardet-Biedl syndrome 2; minus strand). Cytogenetic location: 16q12.2.
Variant type: Duplication.
Identifiers: ClinVar variation 3243397 (VCV003243397.1).